The following is an entry in ClinVar:

ClinVar aggregate classification (germline): Uncertain significance (1 of 4 stars; one submission).

Conditions:
Griscelli syndrome type 1 (GS1). Also called: PARTIAL ALBINISM AND PRIMARY NEUROLOGIC DISEASE WITHOUT HEMOPHAGOCYTIC SYNDROME; GRISCELLI SYNDROME WITH NEUROLOGIC IMPAIRMENT; GRISCELLI SYNDROME, CUTANEOUS AND NEUROLOGIC TYPE. Identifiers: Orphanet 381, Orphanet 79476, MedGen C1859194, MONDO:0008962, OMIM 214450.

gnomAD v4.1: 15 of 1,613,976 alleles (0.00093%); highest among the groups gnomAD compares: South Asian, 0.0033%; no homozygotes.

Submission:

Institute of Immunology and Genetics Kaiserslautern
Classification: Uncertain significance for Griscelli syndrome type 1. Last evaluated: 2024-03-22. Review status: criteria provided, single submitter. Criteria: ACMG Guidelines, 2015. Collection method: clinical testing. Allele origin: germline. Affected: yes.
Comment: ACMG Criteria: PM2_P.

NM_001382347.1(MYO5A):c.5034C>G (p.Ile1678Met)

Gene: MYO5A (myosin VA; minus strand). Cytogenetic location: 15q21.2.
Variant type: single nucleotide variant.
Coding change: c.5034C>G on transcript NM_001382347.1 (MANE Select); coding-DNA position 5034, C replaced by G.
Protein change: p.Ile1678Met; replaces isoleucine 1678 with methionine.
Molecular consequence: missense variant.
Genome position (GRCh38, 1-based): chr15:52,319,260, G>C on the plus strand (C>G on the coding strand, the complement: MYO5A is on the minus strand). VCF-style: chr15-52319260-G-C. GRCh37 (hg19) VCF-style: chr15-52611457-G-C.
Other names: c.4959C>G, p.Ile1653Met (NM_000259.3); c.4878C>G, p.Ile1626Met (NM_001142495.2); c.5106C>G, p.Ile1702Met (NM_001382348.1); c.5031C>G, p.Ile1677Met (NM_001382349.1); c.4950C>G, p.Ile1650Met (NM_001411135.1); short protein forms I1626M, I1650M, I1653M, I1677M, I1678M, I1702M.
Identifiers: ClinVar variation 3063584 (VCV003063584.1), dbSNP rs756082685, ClinGen allele CA7567961.
Genomic context (GRCh38, chr15:52,319,260, plus strand): 5'-CGAGTGGAAGGAGTTGAGCTGCCGGAGGATGGAGTCCAGTGTGTAGGTGCCCTCATCGGC[G>C]ATACTGGAGGTTCGCTTTCTCAACCCTGTGGGCTTCACCCCAGACACGCCCTGAATCGTT-3'
Protein context (NP_001369276.1, residues 1668-1688): PTGLRKRTSS[Ile1678Met]ADEGTYTLDS